The following is an entry in ClinVar:

ClinVar aggregate classification (germline): Conflicting classifications of pathogenicity. Review status: criteria provided, conflicting classifications (1 of 4 stars). 2 submissions from 2 submitters: Pathogenic (1); Uncertain significance (1). Last evaluated 2021-08-19.

Submissions (2):

Blueprint Genetics
Classification: Uncertain significance. Last evaluated: 2021-08-19. Review status: criteria provided, single submitter. Criteria: ACMG Guidelines, 2015. Collection method: clinical testing. Allele origin: germline.

GeneDx
Classification: Pathogenic. Last evaluated: 2015-09-11. Review status: criteria provided, single submitter. Criteria: GeneDx Variant Classification (06012015). Collection method: clinical testing. Allele origin: germline. Affected: yes.
Comment: The E308X nonsense variant in the EDA1 gene is predicted to cause loss of normal protein function through protein truncation as the last 84 residues of the protein are lost. E308X was not observed in approximately 6,500 individuals of European and African American ancestry in the NHLBI Exome Sequencing Project, indicating it is not a common benign variant in these populations. Although this variant has not been reported previously to our knowledge, we interpret it to be pathogenic.

NM_001399.5(EDA):c.922G>T (p.Glu308Ter)

Gene: EDA (ectodysplasin A; plus strand). Cytogenetic location: Xq13.1.
Variant type: single nucleotide variant.
Coding change: c.922G>T on transcript NM_001399.5 (MANE Select); coding-DNA position 922, G replaced by T.
Protein change: p.Glu308Ter; replaces glutamic acid 308 with a stop codon.
Molecular consequence: nonsense. On other transcripts: intron variant (2).
Genome position (GRCh38, 1-based): chrX:70,033,526, G>T. VCF-style: chrX-70033526-G-T. GRCh37 (hg19) VCF-style: chrX-69253376-G-T.
Other names: c.918+4G>T (NM_001005609.2); c.909+4G>T (NM_001005612.3); short protein forms E308*.
Identifiers: ClinVar variation 429747 (VCV000429747.3), dbSNP rs1131691566, ClinGen allele CA413449072.